The following is an entry in ClinVar:

ClinVar aggregate classification (germline): Conflicting classifications of pathogenicity. Review status: criteria provided, conflicting classifications (1 of 4 stars). 3 submissions from 3 submitters: Likely pathogenic (1); Uncertain significance (1). 1 of the submissions does not count toward it. Last evaluated 2025-12-28.

Conditions:
PRPH2-related disorder. Also called: PRPH2-related condition; PRPH2-related disorders. Identifiers: MedGen CN239395.
Retinal disorder. Also called: Retinopathy; Retinopathies; Retinal Diseases; Retinal disorders. Identifiers: MedGen C0035309, MONDO:0005283, HP:0000488.

Allele frequency attached by ClinVar (database versions not stated): gnomAD exomes 0.00001; ExAC 0.00001; ESP Exome Variant Server 0.00008.
gnomAD v4.1: 4 of 1,614,158 alleles (0.00025%); highest among the groups gnomAD compares: Admixed American, 0.0017%; no homozygotes.

Submissions (3):

Genetics Laboratory, Great Ormond Street Hospital NHS Foundation Trust, North Thames Genomic Laboratory Hub
Classification: Uncertain significance for Retinal disorders. Last evaluated: 2025-12-28. Review status: criteria provided, single submitter. Criteria: ACGS Best Practice Guidelines for Variant Classification in Rare Disease 2024 v1.2. Collection method: clinical testing. Allele origin: germline. Affected: yes.
Comment: PS4_moderate, PM2_moderate, PP4_supporting

Labcorp Genetics (formerly Invitae), Labcorp
Classification: Likely pathogenic for PRPH2-related disorder. Last evaluated: 2025-06-12. Review status: criteria provided, single submitter. Criteria: Invitae Variant Classification Sherloc (09022015). Collection method: clinical testing. Allele origin: germline.
Comment: This sequence change replaces arginine, which is basic and polar, with cysteine, which is neutral and slightly polar, at codon 284 of the PRPH2 protein (p.Arg284Cys). This variant is present in population databases (rs370994796, gnomAD 0.003%). This missense change has been observed in individuals with autosomal dominant macular dystrophy (internal data). ClinVar contains an entry for this variant (Variation ID: 1062205). Invitae Evidence Modeling of protein sequence and biophysical properties (such as structural, functional, and spatial information, amino acid conservation, physicochemical variation, residue mobility, and thermodynamic stability) indicates that this missense variant is expected to disrupt PRPH2 protein function with a positive predictive value of 95%. This variant disrupts the p.Arg284 amino acid residue in PRPH2. Other variant(s) that disrupt this residue have been observed in individuals with PRPH2-related conditions (PMID: 36563963), which suggests that this may be a clinically significant amino acid residue. In summary, the currently available evidence indicates that the variant is pathogenic, but additional data are needed to prove that conclusively. Therefore, this variant has been classified as Likely Pathogenic.

Leiden Open Variation Database
Classification: Likely pathogenic. Last evaluated: 2021-04-06. Review status: no assertion criteria provided. Collection method: curation. Allele origin: germline. Affected: yes. Not counted in ClinVar's aggregate classification.
Comment: Curator: Global Variome, with Curator vacancy. Submitter to LOVD: Manon Peeters.

Literature cited by the submitters: PubMed 36563963 (cited by Labcorp Genetics (formerly Invitae), Labcorp); PubMed 32717343 (cited by Leiden Open Variation Database).

NM_000322.5(PRPH2):c.850C>T (p.Arg284Cys)

Gene: PRPH2 (peripherin 2; minus strand). Cytogenetic location: 6p21.1.
Variant type: single nucleotide variant.
Coding change: c.850C>T on transcript NM_000322.5 (MANE Select); coding-DNA position 850, C replaced by T.
Protein change: p.Arg284Cys; replaces arginine 284 with cysteine.
Molecular consequence: missense variant.
Genome position (GRCh38, 1-based): chr6:42,698,486, G>A on the plus strand (C>T on the coding strand, the complement: PRPH2 is on the minus strand). VCF-style: chr6-42698486-G-A. GRCh37 (hg19) VCF-style: chr6-42666224-G-A.
Other names: short protein forms R284C.
Identifiers: ClinVar variation 1062205 (VCV001062205.10), dbSNP rs370994796, ClinGen allele CA3808498.